The following is an entry in ClinVar:

NM_001244008.2(KIF1A):c.1181-4A>G

Gene: KIF1A (kinesin family member 1A; minus strand). Cytogenetic location: 2q37.3.
Variant type: single nucleotide variant.
Coding change: c.1181-4A>G on transcript NM_001244008.2 (MANE Select); 4 bases into the intron before coding-DNA position 1181, A replaced by G.
Molecular consequence: intron variant.
Genome position (GRCh38, 1-based): chr2:240,772,600, T>C on the plus strand (A>G on the coding strand, the complement: KIF1A is on the minus strand). VCF-style: chr2-240772600-T-C. GRCh37 (hg19) VCF-style: chr2-241712017-T-C.
Other names: c.1180+514A>G (NM_001379637.1, NM_001379648.1, NM_001379651.1 and 12 more transcripts); c.1181-4A>G (NM_001320705.2, NM_001379638.1, NM_001379646.1 and 5 more transcripts).
Identifiers: ClinVar variation 1329821 (VCV001329821.4), dbSNP rs563345134, ClinGen allele CA68128111.

ClinVar aggregate classification (germline): Conflicting classifications of pathogenicity. Review status: criteria provided, conflicting classifications (1 of 4 stars). 2 submissions from 2 submitters: Uncertain significance (1); Likely benign (1). Last evaluated 2021-06-24.

Conditions:
Inborn genetic diseases. Identifiers: MedGen C0950123, MeSH D030342.

Allele frequency attached by ClinVar (database versions not stated): 1000 Genomes Project 30x 0.00016; gnomAD exomes 0.00019; 1000 Genomes Project 0.00020; gnomAD 0.00032 and 0.00034; TOPMed 0.00039.
gnomAD v4.1: 86 of 1,535,618 alleles (0.0056%); highest among the groups gnomAD compares: Admixed American, 0.17%; no homozygotes.

Submissions (2):

GeneDx
Classification: Likely benign. Last evaluated: 2021-06-24. Review status: criteria provided, single submitter. Criteria: GeneDx Variant Classification Process June 2021. Collection method: clinical testing. Allele origin: germline. Affected: yes.

Ambry Genetics
Classification: Uncertain significance for Inborn genetic diseases. Last evaluated: 2020-06-15. Review status: criteria provided, single submitter. Criteria: Ambry Variant Classification Scheme 2023. Collection method: clinical testing. Allele origin: germline.
Comment: The c.1181-4A>G intronic variant results from an A to G substitution 4 nucleotides upstream from coding exon 13 in the KIF1A gene. This nucleotide position is poorly conserved in available vertebrate species. Using the BDGP and ESEfinder splice site prediction tools, this alteration is not predicted to have any significant effect on this splice acceptor/donor site; however, direct evidence is unavailable. Since supporting evidence is limited at this time, the clinical significance of this alteration remains unclear.